The following is an entry in ClinVar:

NM_006206.6(PDGFRA):c.49+9C>A

Gene: PDGFRA (platelet derived growth factor receptor alpha; plus strand). Cytogenetic location: 4q12.
Variant type: single nucleotide variant.
Coding change: c.49+9C>A on transcript NM_006206.6 (MANE Select); 9 bases into the intron after coding-DNA position 49, C replaced by A.
Molecular consequence: intron variant.
Genome position (GRCh38, 1-based): chr4:54,258,826, C>A. VCF-style: chr4-54258826-C-A. GRCh37 (hg19) VCF-style: chr4-55124993-C-A.
Other names: c.124+9C>A (NM_001347828.2); c.49+9C>A (NM_001347827.2, NM_001347829.2); c.88+9C>A (NM_001347830.2).
Identifiers: ClinVar variation 753831 (VCV000753831.9), dbSNP rs372348389, ClinGen allele CA2922207.

ClinVar aggregate classification (germline): Likely benign. Review status: criteria provided, multiple submitters, no conflicts (2 of 4 stars). 2 submissions from 2 submitters: Likely benign (2). Last evaluated 2026-06-12.

Conditions:
Gastrointestinal stromal tumor. Also called: Gastrointestinal stromal tumor, somatic; Gastrointestinal stroma tumor. Identifiers: Orphanet 44890, MedGen C0238198, MeSH D046152, MONDO:0011719, OMIM 606764, HP:0100723.
Polyps, multiple and recurrent inflammatory fibroid, gastrointestinal. Identifiers: MedGen C5193005, MONDO:0008285, OMIM 175510.

Allele frequency attached by ClinVar (database versions not stated): TOPMed 0.00002; gnomAD 0.00003; ESP Exome Variant Server 0.00008.

Submissions (2):

Myriad Genetics, Inc.
Classification: Likely benign for Polyps, multiple and recurrent inflammatory fibroid, gastrointestinal. Last evaluated: 2026-06-12. Review status: criteria provided, single submitter. Criteria: Myriad Autosomal Dominant, Autosomal Recessive and X-Linked Classification Criteria (2023). Collection method: clinical testing. Allele origin: unknown.
Comment: This variant is considered likely benign. This variant is intronic and is not expected to impact mRNA splicing.

Labcorp Genetics (formerly Invitae), Labcorp
Classification: Likely benign for Gastrointestinal stromal tumor. Last evaluated: 2025-09-05. Review status: criteria provided, single submitter. Criteria: Invitae Variant Classification Sherloc (09022015). Collection method: clinical testing. Allele origin: germline.